The following is an entry in ClinVar:

NM_001267550.2(TTN):c.94827C>G (p.Tyr31609Ter)

Genes: TTN-AS1 (TTN antisense RNA 1; plus strand), TTN (titin; minus strand). Cytogenetic location: 2q31.2.
Variant type: single nucleotide variant.
Coding change: c.94827C>G on transcript NM_001267550.2 (MANE Select); coding-DNA position 94827, C replaced by G.
Protein change: p.Tyr31609Ter; replaces tyrosine 31609 with a stop codon.
Molecular consequence: nonsense.
Genome position (GRCh38, 1-based): chr2:178,546,601, G>C on the plus strand (C>G on the coding strand, the complement: TTN is on the minus strand). VCF-style: chr2-178546601-G-C. GRCh37 (hg19) VCF-style: chr2-179411328-G-C.
Other names: c.89904C>G, p.Tyr29968Ter (NM_001256850.1); c.67632C>G, p.Tyr22544Ter (NM_003319.4); c.87123C>G, p.Tyr29041Ter (NM_133378.4); c.68007C>G, p.Tyr22669Ter (NM_133432.3); c.68208C>G, p.Tyr22736Ter (NM_133437.4); short protein forms Y22544*, Y22736*, Y29041*, Y22669*, Y29968*, Y31609*.
Identifiers: ClinVar variation 2948606 (VCV002948606.3), dbSNP rs771635198, ClinGen allele CA349469877.

ClinVar aggregate classification (germline): Likely pathogenic (1 of 4 stars; one submission).

Conditions:
Dilated cardiomyopathy 1G (CMD1G). Identifiers: Orphanet 154, MedGen C1858763, MONDO:0011400, OMIM 604145.
Autosomal recessive limb-girdle muscular dystrophy type 2J (LGMDR10). Also called: Limb-girdle muscular dystrophy, type 2J; MUSCULAR DYSTROPHY, LIMB-GIRDLE, AUTOSOMAL RECESSIVE 10. Identifiers: Orphanet 140922, MedGen C1837342, MONDO:0012127, OMIM 608807.

Submission:

Labcorp Genetics (formerly Invitae), Labcorp
Classification: Likely pathogenic for Dilated cardiomyopathy 1G; Autosomal recessive limb-girdle muscular dystrophy type 2J. Last evaluated: 2023-06-05. Review status: criteria provided, single submitter. Criteria: Invitae Variant Classification Sherloc (09022015). Collection method: clinical testing. Allele origin: germline.
Comment: This sequence change creates a premature translational stop signal (p.Tyr31609*) in the TTN gene. While this is not anticipated to result in nonsense mediated decay, it is expected to create a truncated TTN protein. This variant is not present in population databases (gnomAD no frequency). This variant has not been reported in the literature in individuals affected with TTN-related conditions. Algorithms developed to predict the effect of sequence changes on RNA splicing suggest that this variant may create or strengthen a splice site. This variant is located in the A band of TTN (PMID: 25589632). Truncating variants in this region are significantly overrepresented in patients affected with dilated cardiomyopathy (PMID: 25589632). Truncating variants in this region have also been reported in individuals affected with autosomal recessive centronuclear myopathy (PMID: 23975875). In summary, the currently available evidence indicates that the variant is pathogenic, but additional data are needed to prove that conclusively. Therefore, this variant has been classified as Likely Pathogenic.

Literature cited by the submitters: PubMed 25589632; PubMed 23975875.